The following is an entry in ClinVar:

ClinVar aggregate classification (germline): Pathogenic. Review status: criteria provided, multiple submitters, no conflicts (2 of 4 stars). 3 submissions from 3 submitters: Pathogenic (2). 1 of the submissions does not count toward it. Last evaluated 2025-01-27.

Conditions:
PDE6B-related disorder. Also called: PDE6B-related disorders; PDE6B-related disease; PDE6B-related condition.
Congenital stationary night blindness autosomal dominant 2. Also called: NIGHT BLINDNESS, CONGENITAL STATIONARY, RAMBUSCH TYPE. Identifiers: Orphanet 215, MedGen C1876182, MONDO:0008099, OMIM 163500.

Submissions (3):

Labcorp Genetics (formerly Invitae), Labcorp
Classification: Pathogenic. Last evaluated: 2025-01-27. Review status: criteria provided, single submitter. Criteria: Invitae Variant Classification Sherloc (09022015). Collection method: clinical testing. Allele origin: germline.
Comment: This sequence change replaces histidine, which is basic and polar, with asparagine, which is neutral and polar, at codon 258 of the PDE6B protein (p.His258Asn). This variant is not present in population databases (gnomAD no frequency). This missense change has been observed in individuals with congenital stationary night blindness (PMID: 8075643, 28559085). It has also been observed to segregate with disease in related individuals. ClinVar contains an entry for this variant (Variation ID: 13107). Invitae Evidence Modeling of protein sequence and biophysical properties (such as structural, functional, and spatial information, amino acid conservation, physicochemical variation, residue mobility, and thermodynamic stability) has been performed for this missense variant. However, the output from this modeling did not meet the statistical confidence thresholds required to predict the impact of this variant on PDE6B protein function. Experimental studies have shown that this missense change affects PDE6B function (PMID: 17044014, 28583373). For these reasons, this variant has been classified as Pathogenic.

Blueprint Genetics
Classification: Pathogenic for PDE6B-related disorders. Last evaluated: 2021-01-20. Review status: criteria provided, single submitter. Criteria: ACMG Guidelines, 2015. Collection method: clinical testing. Allele origin: germline. Affected: yes. Observed: 1 variant allele.

OMIM
Classification: Pathogenic for NIGHT BLINDNESS, CONGENITAL STATIONARY, AUTOSOMAL DOMINANT 2. Last evaluated: 2007-03-01. Review status: no assertion criteria provided. Collection method: literature only. Allele origin: germline. Not counted in ClinVar's aggregate classification.

Literature cited by the submitters: PubMed 8075643 (cited by Labcorp Genetics (formerly Invitae), Labcorp and OMIM); PubMed 28559085 (cited by Labcorp Genetics (formerly Invitae), Labcorp); PubMed 17044014 (cited by Labcorp Genetics (formerly Invitae), Labcorp and OMIM); PubMed 28583373 (cited by Labcorp Genetics (formerly Invitae), Labcorp).

NM_000283.4(PDE6B):c.772C>A (p.His258Asn)

Genes: PDE6B (phosphodiesterase 6B; plus strand), PDE6B-AS1 (PDE6B antisense RNA 1; minus strand). Cytogenetic location: 4p16.3.
Variant type: single nucleotide variant.
Coding change: c.772C>A on transcript NM_000283.4 (MANE Select); coding-DNA position 772, C replaced by A.
Protein change: p.His258Asn; replaces histidine 258 with asparagine.
Molecular consequence: missense variant. On other transcripts: 5 prime UTR variant (5).
Genome position (GRCh38, 1-based): chr4:653,912, C>A. VCF-style: chr4-653912-C-A. GRCh37 (hg19) VCF-style: chr4-647701-C-A.
Other names: c.772C>A, p.His258Asn (NM_001145291.2); c.-66C>A (NM_001145292.2, NM_001350154.3, NM_001379246.1 and 1 more transcripts); c.-269C>A (NM_001350155.3); short protein forms H258N.
Identifiers: ClinVar variation 13107 (VCV000013107.4), dbSNP rs121918582, ClinGen allele CA122842.